The following is an entry in ClinVar:

ClinVar aggregate classification (germline): Uncertain significance. Review status: criteria provided, multiple submitters, no conflicts (2 of 4 stars). 4 submissions from 4 submitters: Uncertain significance (4). Last evaluated 2025-12-05.

Conditions:
Norman-Roberts syndrome (LIS2). Also called: Lissencephaly 2 (Norman-Roberts type). Identifiers: Orphanet 89844, MedGen C0796089, MONDO:0009760, OMIM 257320.
Epilepsy, familial temporal lobe, 1. Identifiers: Orphanet 101046, MedGen CN030884, MONDO:0700090, OMIM 600512.
Familial temporal lobe epilepsy 7. Identifiers: Orphanet 101046, MedGen C4225327, MONDO:0014639, OMIM 616436.

Allele frequency attached by ClinVar (database versions not stated): gnomAD exomes 0.00001; TOPMed 0.00002; ESP Exome Variant Server 0.00008.
gnomAD v4.1: 19 of 1,614,056 alleles (0.0012%); highest among the groups gnomAD compares: Admixed American, 0.005%; no homozygotes.

Submissions (4):

Labcorp Genetics (formerly Invitae), Labcorp
Classification: Uncertain significance for Familial temporal lobe epilepsy 7; Norman-Roberts syndrome. Last evaluated: 2025-12-05. Review status: criteria provided, single submitter. Criteria: Invitae Variant Classification Sherloc (09022015). Collection method: clinical testing. Allele origin: germline.
Comment: This sequence change replaces threonine, which is neutral and polar, with methionine, which is neutral and non-polar, at codon 1495 of the RELN protein (p.Thr1495Met). This variant is present in population databases (rs369404310, gnomAD 0.006%). This variant has not been reported in the literature in individuals affected with RELN-related conditions. ClinVar contains an entry for this variant (Variation ID: 212038). Invitae Evidence Modeling of protein sequence and biophysical properties (such as structural, functional, and spatial information, amino acid conservation, physicochemical variation, residue mobility, and thermodynamic stability) has been performed for this missense variant. However, the output from this modeling did not meet the statistical confidence thresholds required to predict the impact of this variant on RELN protein function. In summary, the available evidence is currently insufficient to determine the role of this variant in disease. Therefore, it has been classified as a Variant of Uncertain Significance.

GeneDx
Classification: Uncertain significance. Last evaluated: 2022-06-01. Review status: criteria provided, single submitter. Criteria: GeneDx Variant Classification Process June 2021. Collection method: clinical testing. Allele origin: germline. Affected: yes.
Comment: Not observed at significant frequency in large population cohorts (gnomAD); In silico analysis supports that this missense variant has a deleterious effect on protein structure/function; Has not been previously published as pathogenic or benign to our knowledge

Fulgent Genetics
Classification: Uncertain significance for Norman-Roberts syndrome; Epilepsy, familial temporal lobe, 1; Familial temporal lobe epilepsy 7. Last evaluated: 2022-04-06. Review status: criteria provided, single submitter. Criteria: ACMG Guidelines, 2015. Collection method: clinical testing. Allele origin: unknown.

Genetic Services Laboratory, University of Chicago
Classification: Uncertain significance. Last evaluated: 2014-09-18. Review status: criteria provided, single submitter. Criteria: ACMG Guidelines, 2015. Collection method: clinical testing. Allele origin: germline.

NM_005045.4(RELN):c.4484C>T (p.Thr1495Met)

Gene: RELN (reelin; minus strand). Cytogenetic location: 7q22.1.
Variant type: single nucleotide variant.
Coding change: c.4484C>T on transcript NM_005045.4 (MANE Select); coding-DNA position 4484, C replaced by T.
Protein change: p.Thr1495Met; replaces threonine 1495 with methionine.
Molecular consequence: missense variant.
Genome position (GRCh38, 1-based): chr7:103,574,119, G>A on the plus strand (C>T on the coding strand, the complement: RELN is on the minus strand). VCF-style: chr7-103574119-G-A. GRCh37 (hg19) VCF-style: chr7-103214566-G-A.
Other names: c.4484C>T, p.Thr1495Met (NM_173054.3); short protein forms T1495M.
Identifiers: ClinVar variation 212038 (VCV000212038.11), dbSNP rs369404310, ClinGen allele CA207180.